The following is an entry in ClinVar:

NM_005097.4(LGI1):c.674-16T>G

Gene: LGI1 (leucine rich glioma inactivated 1; plus strand). Cytogenetic location: 10q23.33.
Variant type: single nucleotide variant.
Coding change: c.674-16T>G on transcript NM_005097.4 (MANE Select); 16 bases into the intron before coding-DNA position 674, T replaced by G.
Molecular consequence: intron variant.
Genome position (GRCh38, 1-based): chr10:93,793,170, T>G. VCF-style: chr10-93793170-T-G. GRCh37 (hg19) VCF-style: chr10-95552927-T-G.
Other names: c.674-16T>G (NM_001308275.2); c.530-16T>G (NM_001308276.2).
Identifiers: ClinVar variation 2420426 (VCV002420426.5), dbSNP rs2492905576, ClinGen allele CA2525523379.
Genomic context (GRCh38, chr10:93,793,170, plus strand): 5'-TTCTTGTGAATATTTAAGATCTAGCCAAGGAAAGAGGTATTAGCTCACAGTTACTTATTA[T>G]TTCCTATTTTTGCAGAATTTGCAAAGTCTCAAGACCTGCCTTATCAATCATTGTCCATAG-3'

ClinVar aggregate classification (germline): Uncertain significance (1 of 4 stars; one submission).

Conditions:
Autosomal dominant epilepsy with auditory features. Identifiers: Orphanet 101046, MedGen C1838062, MONDO:0010898.

Submission:

Labcorp Genetics (formerly Invitae), Labcorp
Classification: Uncertain significance for Autosomal dominant epilepsy with auditory features. Last evaluated: 2023-08-23. Review status: criteria provided, single submitter. Criteria: Invitae Variant Classification Sherloc (09022015). Collection method: clinical testing. Allele origin: germline.
Comment: In summary, the available evidence is currently insufficient to determine the role of this variant in disease. Therefore, it has been classified as a Variant of Uncertain Significance. Algorithms developed to predict the effect of sequence changes on RNA splicing suggest that this variant may create or strengthen a splice site. ClinVar contains an entry for this variant (Variation ID: 2420426). This variant has not been reported in the literature in individuals affected with LGI1-related conditions. This variant is not present in population databases (gnomAD no frequency). This sequence change falls in intron 6 of the LGI1 gene. It does not directly change the encoded amino acid sequence of the LGI1 protein.